The following is an entry in ClinVar:

Conditions:
Breast-ovarian cancer, familial, susceptibility to, 1 (BROVCA1). Also called: BRCA1 Hereditary Breast and Ovarian Cancer; OVARIAN CANCER, SUSCEPTIBILITY TO. Identifiers: Orphanet 145, MedGen C2676676, MONDO:0011450, OMIM 604370. Disease mechanism: loss of function.

Submission:

Brotman Baty Institute, University of Washington
No classification provided (evidence only). Condition: Breast-ovarian cancer, familial 1. Review status: no classification provided. Collection method: in vitro. Allele origin: not applicable. Functional consequence: functionally_normal.
ClinVar note: "not provided" was previously submitted as the classification for the variant. However, the classification appeared to be based only on an observation of functional data so it was converted to no classification on 2025-07-30.

NM_007294.4(BRCA1):c.-17C>G

Gene: BRCA1 (BRCA1 DNA repair associated; minus strand). Cytogenetic location: 17q21.31.
Variant type: single nucleotide variant.
Coding change: c.-17C>G on transcript NM_007294.4 (MANE Select); 17 bases upstream of the start codon, C replaced by G.
Molecular consequence: 5 prime UTR variant. On other transcripts: non-coding transcript variant (1).
Genome position (GRCh38, 1-based): chr17:43,124,113, G>C on the plus strand (C>G on the coding strand, the complement: BRCA1 is on the minus strand). VCF-style: chr17-43124113-G-C. GRCh37 (hg19) VCF-style: chr17-41276130-G-C.
Other names: c.-274C>G (NM_001407724.1, NM_001407727.1, NM_001407731.1 and 11 more transcripts); c.-277C>G (NM_001407725.1, NM_001407730.1, NM_001407734.1 and 22 more transcripts); c.-223C>G (NM_001407726.1, NM_001407751.1); c.-104C>G (NM_001407732.1, NM_001407736.1, NM_001407742.1 and 21 more transcripts); c.-281C>G (NM_001407741.1, NM_001407934.1, NM_001408497.1); c.-154C>G (NM_001407841.1); c.-303C>G (NM_001407846.1, NM_001407920.1, NM_001407697.1); c.-205C>G (NM_001407853.1, NM_001407879.1, NM_001407882.1 and 42 more transcripts); and 8 more.
Identifiers: ClinVar variation 868648 (VCV000868648.3), dbSNP rs1597923857, ClinGen allele CA916081169.
Genomic context (GRCh38, chr17:43,124,113, plus strand): 5'-ATGACATTTTGTACTTCTTCAACGCGAAGAGCAGATAAATCCATTTCTTTCTGTTCCAAT[G>C]AACTTTAACACATTAGAAAAACATATATATATATCTTTTTAAAAGGTTTATAAAATGACA-3'